The following is an entry in ClinVar:

NM_003738.5(PTCH2):c.2019del (p.Tyr674fs)

Gene: PTCH2 (patched 2; minus strand). Cytogenetic location: 1p34.1.
Variant type: Deletion.
Coding change: c.2019del on transcript NM_003738.5 (MANE Select); coding-DNA position 2019, one base deleted (C; older notation c.2019delC).
Protein change: p.Tyr674fs; shifts the reading frame from tyrosine 674.
Molecular consequence: frameshift variant.
Genome position (GRCh38, 1-based): chr1:44,827,882, G deleted on the plus strand (C on the coding strand, the reverse complement: PTCH2 is on the minus strand). VCF-style (leftmost placement, unchanged base first): chr1-44827881-AG-A. GRCh37 (hg19) VCF-style: chr1-45293553-AG-A.
Other names: c.2019del, p.Tyr674fs (NM_001166292.2); short protein forms Y674fs.
Identifiers: ClinVar variation 2146149 (VCV002146149.5), dbSNP rs769826884, ClinGen allele CA823128.

ClinVar aggregate classification (germline): Uncertain significance. Review status: criteria provided, multiple submitters, no conflicts (2 of 4 stars). 2 submissions from 2 submitters: Uncertain significance (2). Last evaluated 2024-06-05.

Conditions:
Gorlin syndrome. Also called: Nevoid Basal Cell Carcinoma Syndrome; Basal cell nevus syndrome. Identifiers: Orphanet 377, MedGen C0004779, MONDO:0007187.
Basal cell carcinoma, susceptibility to, 1. Also called: BCC1. Identifiers: MedGen C2751544, MONDO:0011556, OMIM 605462.
Medulloblastoma (MDB). Also called: Medulloblastoma, somatic; MEDULLOBLASTOMA PREDISPOSITION SYNDROME. Identifiers: Orphanet 616, MedGen C0025149, MeSH D008527, MONDO:0007959, OMIM 155255, HP:0002885.

Allele frequency attached by ClinVar (database versions not stated): gnomAD exomes below 0.00001; gnomAD 0.00001; ExAC 0.00002.

Submissions (2):

Fulgent Genetics
Classification: Uncertain significance for Medulloblastoma; Basal cell carcinoma, susceptibility to, 1. Last evaluated: 2024-06-05. Review status: criteria provided, single submitter. Criteria: ACMG Guidelines, 2015. Collection method: clinical testing. Allele origin: germline.

Labcorp Genetics (formerly Invitae), Labcorp
Classification: Uncertain significance for Gorlin syndrome. Last evaluated: 2022-06-09. Review status: criteria provided, single submitter. Criteria: Invitae Variant Classification Sherloc (09022015). Collection method: clinical testing. Allele origin: germline.
Comment: This sequence change creates a premature translational stop signal (p.Tyr674Ilefs*26) in the PTCH2 gene. It is expected to result in an absent or disrupted protein product. However, the current clinical and genetic evidence is not sufficient to establish whether loss-of-function variants in PTCH2 cause disease. In summary, the available evidence is currently insufficient to determine the role of this variant in disease. Therefore, it has been classified as a Variant of Uncertain Significance. This variant has not been reported in the literature in individuals affected with PTCH2-related conditions. This variant is present in population databases (rs769826884, gnomAD 0.01%).